The following is an entry in ClinVar:

NC_000023.11:g.(?_100296257)_(100408617_?)del

Genes: PCDH19 (protocadherin 19; minus strand), LOC125467768 (CDK7 strongly-dependent group 2 enhancer GRCh37_chrX:99657381-99658580; plus strand). Cytogenetic location: Xq22.1.
Variant type: Deletion.
Identifiers: ClinVar variation 654099 (VCV000654099.1).

ClinVar aggregate classification (germline): Pathogenic (1 of 4 stars; one submission).

Conditions:
Developmental and epileptic encephalopathy, 9 (DEE9). Also called: PCDH19-Related X-Linked Female-Limited Epilepsy with Mental Retardation; JUBERG-HELLMAN SYNDROME; Early infantile epileptic encephalopathy 9; EPILEPSY, FEMALE-RESTRICTED, WITH MENTAL RETARDATION. Identifiers: Orphanet 101039, Orphanet 2076, MedGen C1848137, MONDO:0010246, OMIM 300088. Disease mechanism: loss of function.

Submission:

Labcorp Genetics (formerly Invitae), Labcorp
Classification: Pathogenic for Early infantile epileptic encephalopathy 9. Last evaluated: 2018-11-07. Review status: criteria provided, single submitter. Criteria: Invitae Variant Classification Sherloc (09022015). Collection method: clinical testing. Allele origin: germline.
Comment: A gross deletion of the genomic region encompassing the full coding sequence of the PCDH19 gene has been identified. The boundaries of this event are unknown as the deletion extends beyond the assayed region for this gene and therefore may encompass additional genes. Whole gene deletions of PCDH19 have been observed in individuals affected with epileptic encephalopathy (PMID: 27179713, 29377098, 23712037) and has been observed to be de novo in several of these individuals (PMID: 29377098, 23712037). Loss-of-function variants in PCDH19 are known to be pathogenic (PMID: 21053371). For these reasons, this variant has been classified as Pathogenic.

Literature cited by the submitters: PubMed 23712037; PubMed 29377098; PubMed 27179713.